The following is an entry in ClinVar:

NM_000094.4(COL7A1):c.7864C>G (p.Arg2622Gly)

Gene: COL7A1 (collagen type VII alpha 1 chain; minus strand). Cytogenetic location: 3p21.31.
Variant type: single nucleotide variant.
Coding change: c.7864C>G on transcript NM_000094.4 (MANE Select); coding-DNA position 7864, C replaced by G.
Protein change: p.Arg2622Gly; replaces arginine 2622 with glycine.
Molecular consequence: missense variant.
Genome position (GRCh38, 1-based): chr3:48,568,101, G>C on the plus strand (C>G on the coding strand, the complement: COL7A1 is on the minus strand). VCF-style: chr3-48568101-G-C. GRCh37 (hg19) VCF-style: chr3-48605534-G-C.
Other names: short protein forms R2622G.
Identifiers: ClinVar variation 4812185 (VCV004812185.1).

ClinVar aggregate classification (germline): Uncertain significance (1 of 4 stars; one submission).

gnomAD v4.1: 4 of 1,614,110 alleles (0.00025%); highest among the groups gnomAD compares: Non-Finnish European, 0.00034%; no homozygotes.

Submission:

Labcorp Genetics (formerly Invitae), Labcorp
Classification: Uncertain significance. Last evaluated: 2025-10-21. Review status: criteria provided, single submitter. Criteria: Invitae Variant Classification Sherloc (09022015). Collection method: clinical testing. Allele origin: germline.
Comment: This sequence change replaces arginine, which is basic and polar, with glycine, which is neutral and non-polar, at codon 2622 of the COL7A1 protein (p.Arg2622Gly). This variant is not present in population databases (gnomAD no frequency). This variant has not been reported in the literature in individuals affected with COL7A1-related conditions. Invitae Evidence Modeling of protein sequence and biophysical properties (such as structural, functional, and spatial information, amino acid conservation, physicochemical variation, residue mobility, and thermodynamic stability) has been performed for this missense variant. However, the output from this modeling did not meet the statistical confidence thresholds required to predict the impact of this variant on COL7A1 protein function. This variant disrupts the p.Arg2622 amino acid residue in COL7A1. Other variant(s) that disrupt this residue have been determined to be pathogenic (PMID: 12485454, 20184583, 21448560, 22266148). This suggests that this residue is clinically significant, and that variants that disrupt this residue are likely to be disease-causing. In summary, the available evidence is currently insufficient to determine the role of this variant in disease. Therefore, it has been classified as a Variant of Uncertain Significance.

Literature cited by the submitters: PubMed 12485454; PubMed 20184583; PubMed 21448560; PubMed 22266148.